The following is an entry in ClinVar:

NM_001379451.1(BCORL1):c.4732_4795del (p.Thr1578fs)

Gene: BCORL1 (BCL6 corepressor like 1; plus strand). Cytogenetic location: Xq26.1.
Variant type: Deletion.
Coding change: c.4732_4795del on transcript NM_001379451.1 (MANE Select); coding-DNA positions 4732 to 4795, 64 bases deleted.
Protein change: p.Thr1578fs; shifts the reading frame from threonine 1578.
Molecular consequence: frameshift variant.
Genome position (GRCh38, 1-based): chrX:130,039,174-130,039,237, 64 bases deleted. GRCh37 (hg19): chrX:129,173,149-129,173,212.
Other names: c.4732_4795del, p.Thr1578fs (NM_001184772.3, NM_001379450.1, NM_001441326.1 and 2 more transcripts); c.4342_4405del, p.Thr1448fs (NM_001441329.1, NM_001441330.1, NM_001441331.1 and 1 more transcripts); c.4510_4573del, p.Thr1504fs (NM_021946.5); short protein forms T1448fs, T1504fs, T1578fs.
Identifiers: ClinVar variation 4530166 (VCV004530166.1).

ClinVar aggregate classification (somatic clinical impact): Tier II - Potential (1 of 4 stars; one submission).

Conditions:
Pleuropulmonary blastoma (PPB). Identifiers: Orphanet 64742, MedGen C1266144, MONDO:0011014, OMIM 601200, HP:0100528.

Submission:

Institute for Genomic Medicine (IGM) Clinical Laboratory, Nationwide Children's Hospital
Classification: Tier II - Potential for Pleuropulmonary blastoma. Assertion type: diagnostic. Clinical significance: supports diagnosis. Last evaluated: 2023-12-11. Review status: criteria provided, single submitter. Criteria: AMP/ASCO/CAP Guidelines, 2017. Collection method: clinical testing. Allele origin: somatic. Affected: yes.
Comment: Variant has Tier II (potential) clinical significance as a diagnostic inclusion criterion in pleuropulmonary blastoma, based on the following evidence: 1) Assists in diagnosis alone or along with other biomarkers based on small studies or few case reports (Evidence Level D).